The following is an entry in ClinVar:

ClinVar aggregate classification (germline): Uncertain significance (1 of 4 stars; one submission).

Conditions:
EDNRB-related disorder. Also called: EDNRB-related condition; EDNRB-related disorders.

Submission:

PreventionGenetics, part of Exact Sciences
Classification: Uncertain significance for EDNRB-related condition. Last evaluated: 2025-01-06. Review status: criteria provided, single submitter. Criteria: ACMG Guidelines, 2015. Collection method: clinical testing. Allele origin: germline.
Comment: The EDNRB c.1004G>A variant is predicted to result in the amino acid substitution p.Cys335Tyr. To our knowledge, this variant has not been reported in the literature or in a large population database (gnomAD), indicating this variant is rare. At this time, the clinical significance of this variant is uncertain due to the absence of conclusive functional and genetic evidence.

NM_001122659.3(EDNRB):c.1004G>A (p.Cys335Tyr)

Genes: EDNRB (endothelin receptor type B; minus strand), EDNRB-AS1 (EDNRB antisense RNA 1; plus strand). Cytogenetic location: 13q22.3.
Variant type: single nucleotide variant.
Coding change: c.1004G>A on transcript NM_001122659.3 (MANE Select); coding-DNA position 1004, G replaced by A.
Protein change: p.Cys335Tyr; replaces cysteine 335 with tyrosine.
Molecular consequence: missense variant.
Genome position (GRCh38, 1-based): chr13:77,900,602, C>T on the plus strand (G>A on the coding strand, the complement: EDNRB is on the minus strand). VCF-style: chr13-77900602-C-T. GRCh37 (hg19) VCF-style: chr13-78474737-C-T.
Other names: c.1004G>A, p.Cys335Tyr (NM_000115.5, NM_003991.4); c.1274G>A, p.Cys425Tyr (NM_001201397.2); short protein forms C425Y, C335Y.
Identifiers: ClinVar variation 4997777 (VCV004997777.1).